The following is an entry in ClinVar:

NM_001365536.1(SCN9A):c.3684T>C (p.Tyr1228=)

Genes: SCN1A-AS1 (SCN1A and SCN9A antisense RNA 1; plus strand), SCN9A (sodium voltage-gated channel alpha subunit 9; minus strand). Cytogenetic location: 2q24.3.
Variant type: single nucleotide variant.
Coding change: c.3684T>C on transcript NM_001365536.1 (MANE Select); coding-DNA position 3684, T replaced by C.
Protein change: p.Tyr1228=; no amino-acid change (tyrosine 1228 retained).
Molecular consequence: synonymous variant.
Genome position (GRCh38, 1-based): chr2:166,238,211, A>G on the plus strand (T>C on the coding strand, the complement: SCN9A is on the minus strand). VCF-style: chr2-166238211-A-G. GRCh37 (hg19) VCF-style: chr2-167094721-A-G.
Other names: c.3651T>C, p.Tyr1217= (NM_002977.4).
Identifiers: ClinVar variation 195488 (VCV000195488.64), dbSNP rs144941725, ClinGen allele CA241933.

ClinVar aggregate classification (germline): Conflicting classifications of pathogenicity. Review status: criteria provided, conflicting classifications (1 of 4 stars). 9 submissions from 7 submitters: Uncertain significance (2); Benign (3); Likely benign (4). Last evaluated 2026-03-01.

Conditions:
Generalized epilepsy with febrile seizures plus, type 7 (GEFSP7). Also called: GEFS+, TYPE 7. Identifiers: Orphanet 36387, MedGen C2751778, MONDO:0013470, OMIM 613863.
Neuropathy, hereditary sensory and autonomic, type 2A (HSAN2A). Also called: ACROOSTEOLYSIS, GIACCAI TYPE; ACROOSTEOLYSIS, NEUROGENIC; MORVAN DISEASE; NEUROPATHY, CONGENITAL SENSORY; NEUROPATHY, HEREDITARY SENSORY RADICULAR, AUTOSOMAL RECESSIVE; NEUROPATHY, HEREDITARY SENSORY, TYPE IIA. Identifiers: Orphanet 970, MedGen C2752089, MONDO:0024309, OMIM 201300.
Paroxysmal extreme pain disorder (PEXPD). Also called: PAIN, SUBMANDIBULAR, OCULAR, AND RECTAL, WITH FLUSHING; RECTAL PAIN, FAMILIAL; SCN9A Paroxysmal Extreme Pain Disorder (SCN9A-PEPD). Identifiers: Orphanet 46348, MedGen C1833661, MONDO:0008179, OMIM 167400.
Channelopathy-associated congenital insensitivity to pain, autosomal recessive. Also called: Insensitivity to pain, channelopathy-associated; ASYMBOLIA FOR PAIN; CONGENITAL ANALGESIA, AUTOSOMAL RECESSIVE. Identifiers: Orphanet 88642, Orphanet 970, MedGen C1855739, MONDO:0009459, OMIM 243000.
Primary erythromelalgia. Also called: primary erythermalgia; SCN9A Erythromelalgia (SCN9A-EM). Identifiers: Orphanet 306577, Orphanet 90026, MedGen C0014805, MONDO:0007571, OMIM 133020.

Allele frequency attached by ClinVar (database versions not stated): ExAC 0.00102; 1000 Genomes Project 30x 0.00031; gnomAD 0.00035 and 0.00036; 1000 Genomes Project 0.00040; gnomAD exomes 0.00044 and 0.00067; TOPMed 0.00046; ESP Exome Variant Server 0.00055.
gnomAD v4.1: 740 of 1,602,256 alleles (0.046%); highest among the groups gnomAD compares: Middle Eastern, 0.81%; 2 homozygotes.

Submissions (9):

CeGaT Center for Human Genetics Tuebingen
Classification: Likely benign. Last evaluated: 2026-03-01. Review status: criteria provided, single submitter. Criteria: CeGaT Center For Human Genetics Tuebingen Variant Classification Criteria Version 2. Collection method: clinical testing. Allele origin: germline. Affected: yes. Observed: 1 variant allele.
Comment: SCN9A: BP4, BP7

Labcorp Genetics (formerly Invitae), Labcorp
Classification: Benign for Neuropathy, hereditary sensory and autonomic, type 2A; Generalized epilepsy with febrile seizures plus, type 7. Last evaluated: 2026-02-02. Review status: criteria provided, single submitter. Criteria: Invitae Variant Classification Sherloc (09022015). Collection method: clinical testing. Allele origin: germline.

Women's Health and Genetics/Laboratory Corporation of America, LabCorp
Classification: Likely benign. Last evaluated: 2025-06-04. Review status: criteria provided, single submitter. Criteria: LabCorp Variant Classification Summary - May 2015. Collection method: clinical testing. Allele origin: germline.

Blueprint Genetics
Classification: Likely benign. Last evaluated: 2024-11-20. Review status: criteria provided, single submitter. Criteria: ACMG Guidelines, 2015. Collection method: clinical testing. Allele origin: germline.

GeneDx
Classification: Likely benign. Last evaluated: 2021-04-22. Review status: criteria provided, single submitter. Criteria: GeneDx Variant Classification Process June 2021. Collection method: clinical testing. Allele origin: germline. Affected: yes.

Illumina Laboratory Services, Illumina
Classification: Uncertain significance for Channelopathy-associated congenital insensitivity to pain, autosomal recessive. Last evaluated: 2018-01-13. Review status: criteria provided, single submitter. Criteria: ICSL Variant Classification Criteria 13 December 2019. Collection method: clinical testing. Allele origin: germline.

Illumina Laboratory Services, Illumina
Classification: Benign for Paroxysmal extreme pain disorder. Last evaluated: 2018-01-13. Review status: criteria provided, single submitter. Criteria: ICSL Variant Classification Criteria 13 December 2019. Collection method: clinical testing. Allele origin: germline.
Comment: This variant was observed in the ICSL laboratory as part of a predisposition screen in an ostensibly healthy population. It had not been previously curated by ICSL or reported in the Human Gene Mutation Database (HGMD: prior to June 1st, 2018), and was therefore a candidate for classification through an automated scoring system. Utilizing variant allele frequency, disease prevalence and penetrance estimates, and inheritance mode, an automated score was calculated to assess if this variant is too frequent to cause the disease. Based on the score and internal cut-off values, a variant classified as benign is not then subjected to further curation. The score for this variant resulted in a classification of benign for this disease.

Illumina Laboratory Services, Illumina
Classification: Benign for Primary erythromelalgia. Last evaluated: 2018-01-13. Review status: criteria provided, single submitter. Criteria: ICSL Variant Classification Criteria 13 December 2019. Collection method: clinical testing. Allele origin: germline.
Comment: the same text as in the submission from Illumina Laboratory Services, Illumina above.

Eurofins Ntd Llc (ga)
Classification: Uncertain significance. Last evaluated: 2015-01-23. Review status: criteria provided, single submitter. Criteria: EGL Classification Definitions 2015. Collection method: clinical testing. Allele origin: germline. Observed: 2 variant alleles, 2 heterozygotes.